The following is an entry in ClinVar:

NM_138927.4(SON):c.1046A>G (p.Glu349Gly)

Gene: SON (SON DNA and RNA binding protein; plus strand). Cytogenetic location: 21q22.11.
Variant type: single nucleotide variant.
Coding change: c.1046A>G on transcript NM_138927.4 (MANE Select); coding-DNA position 1046, A replaced by G.
Protein change: p.Glu349Gly; replaces glutamic acid 349 with glycine.
Molecular consequence: missense variant. On other transcripts: non-coding transcript variant (1), intron variant (1).
Genome position (GRCh38, 1-based): chr21:33,550,277, A>G. VCF-style: chr21-33550277-A-G. GRCh37 (hg19) VCF-style: chr21-34922583-A-G.
Other names: c.1046A>G, p.Glu349Gly (NM_001291411.2, NM_032195.3); c.244+3898A>G (NM_001291412.3); short protein forms E349G.
Identifiers: ClinVar variation 4698247 (VCV004698247.1).

ClinVar aggregate classification (germline): Uncertain significance (1 of 4 stars; one submission).

gnomAD v4.1: 4 of 1,613,914 alleles (0.00025%); highest among the groups gnomAD compares: South Asian, 0.0033%; no homozygotes.

Submission:

Labcorp Genetics (formerly Invitae), Labcorp
Classification: Uncertain significance. Last evaluated: 2025-10-02. Review status: criteria provided, single submitter. Criteria: Invitae Variant Classification Sherloc (09022015). Collection method: clinical testing. Allele origin: germline.
Comment: This sequence change replaces glutamic acid, which is acidic and polar, with glycine, which is neutral and non-polar, at codon 349 of the SON protein (p.Glu349Gly). This variant is present in population databases (no rsID available, gnomAD 0.003%). This variant has not been reported in the literature in individuals affected with SON-related conditions. An algorithm developed to predict the effect of missense changes on protein structure and function (PolyPhen-2) suggests that this variant is likely to be tolerated. In summary, the available evidence is currently insufficient to determine the role of this variant in disease. Therefore, it has been classified as a Variant of Uncertain Significance.